The following is an entry in ClinVar:

NM_002734.5(PRKAR1A):c.959C>T (p.Pro320Leu)

Gene: PRKAR1A (protein kinase cAMP-dependent type I regulatory subunit alpha; plus strand). Cytogenetic location: 17q24.2.
Variant type: single nucleotide variant.
Coding change: c.959C>T on transcript NM_002734.5 (MANE Select); coding-DNA position 959, C replaced by T.
Protein change: p.Pro320Leu; replaces proline 320 with leucine.
Molecular consequence: missense variant.
Genome position (GRCh38, 1-based): chr17:68,529,987, C>T. VCF-style: chr17-68529987-C-T. GRCh37 (hg19) VCF-style: chr17-66526128-C-T.
Other names: c.959C>T, p.Pro320Leu (NM_001276289.2, NM_001276290.1, NM_001278433.2 and 4 more transcripts); c.959C>T (NM_002734.3); short protein forms P320L.
Identifiers: ClinVar variation 664796 (VCV000664796.11), dbSNP rs779141257, ClinGen allele CA8729420.
Genomic context (GRCh38, chr17:68,529,987, plus strand): 5'-CTGCTGTGCTACAACGTCGGTCAGAAAATGAAGAGTTTGTTGAAGTGGGAAGATTGGGGC[C>T]TTCTGATTATTTTGGTATGTATGAATTCCCTCACAATAAATACATGGTTTCTTTAAGTCA-3'
Protein context (NP_002725.1, residues 310-330): EEFVEVGRLG[Pro320Leu]SDYFGEIALL

ClinVar aggregate classification (germline): Uncertain significance. Review status: criteria provided, multiple submitters, no conflicts (2 of 4 stars). 3 submissions from 3 submitters: Uncertain significance (3). Last evaluated 2025-01-07.

Conditions:
Hereditary cancer-predisposing syndrome. Also called: Neoplastic Syndromes, Hereditary; Hereditary Cancer Syndrome; Tumor predisposition; Hereditary neoplastic syndrome. Identifiers: Orphanet 140162, MedGen C0027672, MeSH D009386, MONDO:0015356.
Carney complex, type 1 (CNC1). Also called: CARNEY MYXOMA-ENDOCRINE COMPLEX; CARNEY COMPLEX, TYPE I. Identifiers: Orphanet 1359, MedGen C2607929, MONDO:0008057, OMIM 160980.

Allele frequency attached by ClinVar (database versions not stated): gnomAD exomes below 0.00001; ExAC 0.00001.
gnomAD v4.1: 1 of 1,613,840 alleles (0.000062%); highest among the groups gnomAD compares: Non-Finnish European, 0.000085%; no homozygotes.

Submissions (3):

Ambry Genetics
Classification: Uncertain significance for Hereditary cancer-predisposing syndrome. Last evaluated: 2025-01-07. Review status: criteria provided, single submitter. Criteria: Ambry Variant Classification Scheme 2023. Collection method: clinical testing. Allele origin: germline.
Comment: The p.P320L variant (also known as c.959C>T), located in coding exon 9 of the PRKAR1A gene, results from a C to T substitution at nucleotide position 959. The proline at codon 320 is replaced by leucine, an amino acid with similar properties. This amino acid position is conserved. In addition, this alteration is predicted to be deleterious by in silico analysis. Based on the available evidence, the clinical significance of this variant remains unclear.

Blueprint Genetics
Classification: Uncertain significance. Last evaluated: 2024-05-24. Review status: criteria provided, single submitter. Criteria: ACMG Guidelines, 2015. Collection method: clinical testing. Allele origin: germline.

Labcorp Genetics (formerly Invitae), Labcorp
Classification: Uncertain significance for Carney complex, type 1. Last evaluated: 2024-04-15. Review status: criteria provided, single submitter. Criteria: Invitae Variant Classification Sherloc (09022015). Collection method: clinical testing. Allele origin: germline.
Comment: This sequence change replaces proline, which is neutral and non-polar, with leucine, which is neutral and non-polar, at codon 320 of the PRKAR1A protein (p.Pro320Leu). This variant is present in population databases (rs779141257, gnomAD 0.0009%). This variant has not been reported in the literature in individuals affected with PRKAR1A-related conditions. ClinVar contains an entry for this variant (Variation ID: 664796). Advanced modeling of protein sequence and biophysical properties (such as structural, functional, and spatial information, amino acid conservation, physicochemical variation, residue mobility, and thermodynamic stability) performed at Invitae indicates that this missense variant is expected to disrupt PRKAR1A protein function with a positive predictive value of 80%. In summary, the available evidence is currently insufficient to determine the role of this variant in disease. Therefore, it has been classified as a Variant of Uncertain Significance.